The following is an entry in ClinVar:

ClinVar aggregate classification (germline): Uncertain significance (1 of 4 stars; one submission).

Conditions:
Hereditary cancer-predisposing syndrome. Also called: Neoplastic Syndromes, Hereditary; Tumor predisposition; Hereditary Cancer Syndrome; Hereditary neoplastic syndrome. Identifiers: Orphanet 140162, MedGen C0027672, MeSH D009386, MONDO:0015356.

Submission:

Ambry Genetics
Classification: Uncertain significance for Hereditary cancer-predisposing syndrome. Last evaluated: 2022-06-24. Review status: criteria provided, single submitter. Criteria: Ambry Variant Classification Scheme 2023. Collection method: clinical testing. Allele origin: germline.
Comment: The p.C987S variant (also known as c.2960G>C), located in coding exon 18 of the ALK gene, results from a G to C substitution at nucleotide position 2960. The cysteine at codon 987 is replaced by serine, an amino acid with dissimilar properties. This amino acid position is conserved. In addition, this alteration is predicted to be deleterious by in silico analysis. Since supporting evidence is limited at this time, the clinical significance of this alteration remains unclear.

NM_004304.5(ALK):c.2960G>C (p.Cys987Ser)

Gene: ALK (ALK receptor tyrosine kinase; minus strand). Cytogenetic location: 2p23.2.
Variant type: single nucleotide variant.
Coding change: c.2960G>C on transcript NM_004304.5 (MANE Select); coding-DNA position 2960, G replaced by C.
Protein change: p.Cys987Ser; replaces cysteine 987 with serine.
Molecular consequence: missense variant.
Genome position (GRCh38, 1-based): chr2:29,227,029, C>G on the plus strand (G>C on the coding strand, the complement: ALK is on the minus strand). VCF-style: chr2-29227029-C-G. GRCh37 (hg19) VCF-style: chr2-29449895-C-G.
Other names: short protein forms C987S.
Identifiers: ClinVar variation 1798165 (VCV001798165.2), dbSNP rs2148178608, ClinGen allele CA346467914.